The following is an entry in ClinVar:

NM_003119.4(SPG7):c.2275G>A (p.Ala759Thr)

Gene: SPG7 (SPG7 matrix AAA peptidase subunit, paraplegin; plus strand). Cytogenetic location: 16q24.3.
Variant type: single nucleotide variant.
Coding change: c.2275G>A on transcript NM_003119.4 (MANE Select); coding-DNA position 2275, G replaced by A.
Protein change: p.Ala759Thr; replaces alanine 759 with threonine.
Molecular consequence: missense variant. On other transcripts: 3 prime UTR variant (1).
Genome position (GRCh38, 1-based): chr16:89,556,980, G>A. VCF-style: chr16-89556980-G-A. GRCh37 (hg19) VCF-style: chr16-89623388-G-A.
Other names: A759T:GCA>ACA; c.*53G>A (NM_001363850.1); short protein forms A759T.
Identifiers: ClinVar variation 215219 (VCV000215219.63), dbSNP rs140769107, ClinGen allele CA325312.
Genomic context (GRCh38, chr16:89,556,980, plus strand): 5'-AACTATGAGGACATTGAGGCTCTCATTGGCCCGCCGCCCCATGGGCCGAAGAAAATGATC[G>A]CACCGCAGAGGTGGATCGACGCCCAGAGGGAGAAACAGGACTTGGGCGAGGAGGAGACCG-3'
Protein context (NP_003110.1, residues 749-769): PPPHGPKKMI[Ala759Thr]PQRWIDAQRE

ClinVar aggregate classification (germline): Conflicting classifications of pathogenicity. Review status: criteria provided, conflicting classifications (1 of 4 stars). 13 submissions from 13 submitters: Uncertain significance (9); Likely benign (2). 2 of the submissions do not count toward it. Last evaluated 2026-08-15.

Conditions:
SPG7-related disorder. Also called: SPG7-related condition.
Hereditary spastic paraplegia. Also called: Familial spastic paraparesis. Identifiers: Orphanet 685, MedGen C0037773, MONDO:0019064. Disease mechanism: loss of function.
Hereditary spastic paraplegia 7 (SPG7). Also called: Spastic paraplegia 7; Hereditary spastic paraplegia Paraplegin type; Autosomal recessive spastic paraplegia type 7; SPASTIC PARAPLEGIA 7, AUTOSOMAL RECESSIVE, WITH OR WITHOUT CEREBELLAR ATAXIA; SPG7-related neurologic disorder. Identifiers: Orphanet 99013, MedGen C1846564, MONDO:0011803, OMIM 607259.

Allele frequency attached by ClinVar (database versions not stated): ExAC 0.00057; gnomAD 0.00061; TOPMed 0.00043; ESP Exome Variant Server 0.00092.

Submissions (13):

GeneDx
Classification: Uncertain significance. Last evaluated: 2026-08-15. Review status: criteria provided, single submitter. Criteria: GeneDx Variant Classification Process June 2021. Collection method: clinical testing. Allele origin: germline.
Comment: Reported as heterozygous variant in an individual with sporadic adult-onset pure spastic paraparesis; however, a second variant in SPG7 was not identified (PMID: 18799786); Reported with a pathogenic variant in a patient with adult-onset spastic paraplegia and ataxia, but it is not known if the variants occurred on the same (in cis) or on different (in trans) chromosomes (PMID: 21623769); Observed as heterozygous variant in a patient with limb-girdle muscular dystrophy, but no other clinical information was provided and multiple other variants in other genes were also identified in the same patient (PMID: 29970176); Observed as heterozygous variant in a patient with monocular optic atrophy in published literature (PMID: 37983191); In silico analysis suggests that this missense variant does not alter protein structure/function; This variant is associated with the following publications: (PMID: 21623769, 18799786, 29970176, 37983191, 41149856)

PreventionGenetics, part of Exact Sciences
Classification: Uncertain significance for SPG7-related condition. Last evaluated: 2025-12-09. Review status: criteria provided, single submitter. Criteria: ACMG Guidelines, 2015. Collection method: clinical testing. Allele origin: germline.
Comment: The SPG7 c.2275G>A variant is predicted to result in the amino acid substitution p.Ala759Thr. This variant has been reported as a variant of uncertain significance in two individuals with spastic paraplegia (Brugman et al. 2008. PubMed ID: 18799786; Schlipf et al. 2011. PubMed ID: 21623769). This variant is reported in 0.099% of alleles in individuals of European (Non-Finnish) descent in gnomAD. At this time, the clinical significance of this variant is uncertain due to the absence of conclusive functional and genetic evidence.

Labcorp Genetics (formerly Invitae), Labcorp
Classification: Likely benign for Hereditary spastic paraplegia 7. Last evaluated: 2025-11-16. Review status: criteria provided, single submitter. Criteria: Invitae Variant Classification Sherloc (09022015). Collection method: clinical testing. Allele origin: germline.

CeGaT Center for Human Genetics Tuebingen
Classification: Likely benign. Last evaluated: 2025-09-01. Review status: criteria provided, single submitter. Criteria: CeGaT Center For Human Genetics Tuebingen Variant Classification Criteria Version 2. Collection method: clinical testing. Allele origin: germline. Affected: yes. Observed: 7 variant alleles.
Comment: SPG7: BP4

Blueprint Genetics
Classification: Uncertain significance. Last evaluated: 2024-11-27. Review status: criteria provided, single submitter. Criteria: ACMG Guidelines, 2015. Collection method: clinical testing. Allele origin: germline.

Department of Pathology and Laboratory Medicine, Sinai Health System
Classification: Uncertain significance for Hereditary spastic paraplegia 7. Last evaluated: 2023-01-20. Review status: criteria provided, single submitter. Criteria: ACMG Guidelines, 2015. Collection method: research. Allele origin: germline.

Athena Diagnostics
Classification: Uncertain significance. Last evaluated: 2022-12-06. Review status: criteria provided, single submitter. Criteria: Athena Diagnostics Criteria. Collection method: clinical testing. Allele origin: unknown.
Comment: Available data are insufficient to determine the clinical significance of the variant at this time. The frequency of this variant in the general population is uninformative in assessment of its pathogenicity. This variant has been identified in one individual with later onset spastic paraplegia who also carried a truncating variant in this gene (PMID: 21623769). -Computational tools predict that this variant is not damaging.

Mayo Clinic Laboratories, Mayo Clinic
Classification: Uncertain significance. Last evaluated: 2019-04-01. Review status: criteria provided, single submitter. Criteria: ACMG Guidelines, 2015. Collection method: clinical testing. Allele origin: germline. Observed: 1 variant allele.

Fulgent Genetics
Classification: Uncertain significance for Hereditary spastic paraplegia 7. Last evaluated: 2018-10-31. Review status: criteria provided, single submitter. Criteria: ACMG Guidelines, 2015. Collection method: clinical testing. Allele origin: unknown.

Illumina Laboratory Services, Illumina
Classification: Uncertain significance for Hereditary spastic paraplegia 7. Last evaluated: 2017-04-27. Review status: criteria provided, single submitter. Criteria: ICSL Variant Classification Criteria 13 December 2019. Collection method: clinical testing. Allele origin: germline.
Comment: This variant was observed as part of a predisposition screen in an ostensibly healthy population. A literature search was performed for the gene, cDNA change, and amino acid change (where applicable). Publications were found based on this search. However, the evidence from the literature, in combination with allele frequency data from public databases where available, was not sufficient to rule this variant in or out of causing disease. Therefore, this variant is classified as a variant of unknown significance.

Genome Diagnostics Laboratory, The Hospital for Sick Children
Classification: Uncertain significance for Hereditary spastic paraplegia. Last evaluated: 2017-04-07. Review status: criteria provided, single submitter. Criteria: ACMG Guidelines, 2015. Collection method: clinical testing. Allele origin: germline. Affected: yes.

Clinical Genetics DNA and cytogenetics Diagnostics Lab, Erasmus MC, Erasmus Medical Center
Classification: Likely benign. Review status: no assertion criteria provided. Collection method: clinical testing. Allele origin: germline. Affected: yes. Study: VKGL Data-share Consensus. Not counted in ClinVar's aggregate classification.

Joint Genome Diagnostic Labs from Nijmegen and Maastricht, Radboudumc and MUMC+
Classification: Likely benign. Review status: no assertion criteria provided. Collection method: clinical testing. Allele origin: germline. Affected: yes. Study: VKGL Data-share Consensus. Not counted in ClinVar's aggregate classification.

Literature cited by the submitters: PubMed 18799786 (cited by Athena Diagnostics and Illumina Laboratory Services, Illumina); PubMed 21623769 (cited by Athena Diagnostics); PubMed 29970176 (cited by Athena Diagnostics).